The following is an entry in ClinVar:

NM_006846.4(SPINK5):c.38C>A (p.Ala13Asp)

Gene: SPINK5 (serine peptidase inhibitor Kazal type 5; plus strand). Cytogenetic location: 5q32.
Variant type: single nucleotide variant.
Coding change: c.38C>A on transcript NM_006846.4 (MANE Select); coding-DNA position 38, C replaced by A.
Protein change: p.Ala13Asp; replaces alanine 13 with aspartic acid.
Molecular consequence: missense variant.
Genome position (GRCh38, 1-based): chr5:148,064,082, C>A. VCF-style: chr5-148064082-C-A. GRCh37 (hg19) VCF-style: chr5-147443645-C-A.
Other names: c.38C>A, p.Ala13Asp (NM_001127698.2, NM_001127699.2); short protein forms A13D.
Identifiers: ClinVar variation 3648801 (VCV003648801.2).

ClinVar aggregate classification (germline): Uncertain significance (1 of 4 stars; one submission).

Conditions:
Ichthyosis linearis circumflexa. Identifiers: MedGen C0265962, MONDO:0043106, HP:0025810.

gnomAD v4.1: 6 of 1,614,170 alleles (0.00037%); highest among the groups gnomAD compares: Non-Finnish European, 0.00034%; no homozygotes.

Submission:

Labcorp Genetics (formerly Invitae), Labcorp
Classification: Uncertain significance for Ichthyosis linearis circumflexa. Last evaluated: 2024-05-06. Review status: criteria provided, single submitter. Criteria: Invitae Variant Classification Sherloc (09022015). Collection method: clinical testing. Allele origin: germline.
Comment: This sequence change replaces alanine, which is neutral and non-polar, with aspartic acid, which is acidic and polar, at codon 13 of the SPINK5 protein (p.Ala13Asp). This variant is not present in population databases (gnomAD no frequency). This variant has not been reported in the literature in individuals affected with SPINK5-related conditions. An algorithm developed to predict the effect of missense changes on protein structure and function (PolyPhen-2) suggests that this variant is likely to be disruptive. In summary, the available evidence is currently insufficient to determine the role of this variant in disease. Therefore, it has been classified as a Variant of Uncertain Significance.